The following is an entry in ClinVar:

NM_001083619.3(GRIA2):c.*34G>C

Gene: GRIA2 (glutamate ionotropic receptor AMPA type subunit 2; plus strand). Cytogenetic location: 4q32.1.
Variant type: single nucleotide variant.
Coding change: c.*34G>C on transcript NM_001083619.3 (MANE Select); 34 bases downstream of the stop codon, G replaced by C.
Molecular consequence: 3 prime UTR variant.
Genome position (GRCh38, 1-based): chr4:157,363,465, G>C. VCF-style: chr4-157363465-G-C. GRCh37 (hg19) VCF-style: chr4-158284617-G-C.
Other names: c.*34G>C (NM_000826.6, NM_001083620.3, NM_001379000.3 and 1 more transcripts).
Identifiers: ClinVar variation 2655157 (VCV002655157.24), dbSNP rs1231138366, ClinGen allele CA1069904415.
Genomic context (GRCh38, chr4:157,363,465, plus strand): 5'-TTTCTTTCTTTCCCTCCTCTCTCATTTAAGATGACCTTGAATGATGCCATGAGGAACAAG[G>C]CAAGGCTGTCAATTACAGGAAGTACTGGAGAAAATGGACGTGTTATGACTCCAGAATTTC-3'

ClinVar aggregate classification (germline): Uncertain significance (1 of 4 stars; one submission).

Allele frequency attached by ClinVar (database versions not stated): gnomAD exomes below 0.00001.
gnomAD v4.1: 5 of 1,241,102 alleles (0.0004%); highest among the groups gnomAD compares: Non-Finnish European, 0.0004%; no homozygotes.

Submission:

CeGaT Center for Human Genetics Tuebingen
Classification: Uncertain significance. Last evaluated: 2023-01-01. Review status: criteria provided, single submitter. Criteria: CeGaT Center For Human Genetics Tuebingen Variant Classification Criteria Version 2. Collection method: clinical testing. Allele origin: germline. Affected: yes. Observed: 1 variant allele.
Comment: GRIA2: PP2